The following is an entry in ClinVar:

ClinVar aggregate classification (germline): Benign. Review status: criteria provided, multiple submitters, no conflicts (2 of 4 stars). 2 submissions from 2 submitters: Benign (2). Last evaluated 2018-01-13.

Conditions:
Hirschsprung disease, susceptibility to, 4. Identifiers: Orphanet 388, MedGen C3150975, MONDO:0013384, OMIM 613712.

Allele frequency attached by ClinVar (database versions not stated): gnomAD exomes 0.00303; 1000 Genomes Project 0.00998; 1000 Genomes Project 30x 0.01062; gnomAD 0.01728 and 0.01818; TOPMed 0.01849.
gnomAD v4.1: 2,727 of 152,594 alleles (1.8%); highest among the groups gnomAD compares: Non-Finnish European, 2.5%; 37 homozygotes.

Submissions (2):

Illumina Laboratory Services, Illumina
Classification: Benign for Hirschsprung disease, susceptibility to, 4. Last evaluated: 2018-01-13. Review status: criteria provided, single submitter. Criteria: ICSL Variant Classification Criteria 13 December 2019. Collection method: clinical testing. Allele origin: germline.
Comment: This variant was observed in the ICSL laboratory as part of a predisposition screen in an ostensibly healthy population. It had not been previously curated by ICSL or reported in the Human Gene Mutation Database (HGMD: prior to June 1st, 2018), and was therefore a candidate for classification through an automated scoring system. Utilizing variant allele frequency, disease prevalence and penetrance estimates, and inheritance mode, an automated score was calculated to assess if this variant is too frequent to cause the disease. Based on the score and internal cut-off values, a variant classified as benign is not then subjected to further curation. The score for this variant resulted in a classification of benign for this disease.

Breakthrough Genomics
Classification: Benign. Review status: criteria provided, single submitter. Criteria: ACMG Guidelines, 2015. Collection method: not provided. Allele origin: germline. Inheritance: Autosomal recessive inheritance. Affected: yes.

NM_207034.3(EDN3):c.*915C>T

Gene: EDN3 (endothelin 3; plus strand). Cytogenetic location: 20q13.32.
Variant type: single nucleotide variant.
Coding change: c.*915C>T on transcript NM_207034.3 (MANE Select); 915 bases downstream of the stop codon, C replaced by T.
Molecular consequence: 3 prime UTR variant.
Genome position (GRCh38, 1-based): chr20:59,325,374, C>T. VCF-style: chr20-59325374-C-T. GRCh37 (hg19) VCF-style: chr20-57900429-C-T.
Other names: c.*1039C>T (NM_001302455.2); c.*1007C>T (NM_001302456.2, NM_207032.3); c.*915C>T (NM_207033.3).
Identifiers: ClinVar variation 339153 (VCV000339153.6), dbSNP rs11570357, ClinGen allele CA10652732.